The following is an entry in ClinVar:

NM_001127208.3(TET2):c.2558T>C (p.Leu853Pro)

Genes: TET2 (tet methylcytosine dioxygenase 2; plus strand), TET2-AS1 (TET2 antisense RNA 1; minus strand). Cytogenetic location: 4q24.
Variant type: single nucleotide variant.
Coding change: c.2558T>C on transcript NM_001127208.3 (MANE Select); coding-DNA position 2558, T replaced by C.
Protein change: p.Leu853Pro; replaces leucine 853 with proline.
Molecular consequence: missense variant.
Genome position (GRCh38, 1-based): chr4:105,236,500, T>C. VCF-style: chr4-105236500-T-C. GRCh37 (hg19) VCF-style: chr4-106157657-T-C.
Other names: c.2558T>C, p.Leu853Pro (NM_017628.4); short protein forms L853P.
Identifiers: ClinVar variation 4183056 (VCV004183056.1).
Genomic context (GRCh38, chr4:105,236,500, plus strand): 5'-CTTGTTCAAACAATACACACCTAGTTTCAGAGAATAAAGAACAGACTACACATCCTGAAC[T>C]TTTTGCAGGAAACAAGACCCAAAACTTGCATCACATGCAATATTTTCCAAATAATGTGAT-3'
Protein context (NP_001120680.1, residues 843-863): ENKEQTTHPE[Leu853Pro]FAGNKTQNLH

ClinVar aggregate classification (germline): Uncertain significance (1 of 4 stars; one submission).

gnomAD v4.1: 5 of 1,613,980 alleles (0.00031%); highest among the groups gnomAD compares: African/African-American, 0.0027%; no homozygotes.

Submission:

Ambry Genetics
Classification: Uncertain significance. Last evaluated: 2025-09-04. Review status: criteria provided, single submitter. Criteria: Ambry Variant Classification Scheme 2023. Collection method: clinical testing. Allele origin: germline.
Comment: The p.L853P variant (also known as c.2558T>C), located in coding exon 1 of the TET2 gene, results from a T to C substitution at nucleotide position 2558. The leucine at codon 853 is replaced by proline, an amino acid with similar properties. This amino acid position is conserved. In addition, this alteration is predicted to be tolerated by in silico analysis. Based on the available evidence, the clinical significance of this variant remains unclear.